The following is an entry in ClinVar:

ClinVar aggregate classification (germline): Uncertain significance. Review status: criteria provided, multiple submitters, no conflicts (2 of 4 stars). 3 submissions from 3 submitters: Uncertain significance (2). 1 of the submissions does not count toward it. Last evaluated 2026-08-26.

Conditions:
21-Hydroxylase-Deficient Congenital Adrenal Hyperplasia. Also called: ADRENAL HYPERPLASIA, CONGENITAL, DUE TO 21-HYDROXYLASE DEFICIENCY; ADRENAL HYPERPLASIA III. Identifiers: MedGen C2936858, OMIM 201910.
CYP21A2-related disorder. Also called: CYP21A2-related condition.

Allele frequency attached by ClinVar (database versions not stated): gnomAD exomes below 0.00001.
gnomAD v4.1: 2 of 1,613,916 alleles (0.00012%); highest among the groups gnomAD compares: Non-Finnish European, 0.00017%; no homozygotes.

Submissions (3):

PreventionGenetics, part of Exact Sciences
Classification: Uncertain significance for CYP21A2-related condition. Last evaluated: 2026-08-26. Review status: criteria provided, single submitter. Criteria: ACMG Guidelines, 2015. Collection method: clinical testing. Allele origin: germline.
Comment: The CYP21A2 c.724C>G variant is predicted to result in the amino acid substitution p.Leu242Val. To our knowledge, this variant has not been reported in the literature or in a large population database (gnomAD), indicating this variant is rare. This variant falls within a highly paralogous region. Allele frequency data should be interpreted with caution. Of note, a different substitution at the same codon, defined as c.725T>C (p.Leu242Pro), has been reported in the homozygous state in an individual with salt-wasting (SW) congenital adrenal hyperplasia (CAH) (probably the same patient reported in Dayal et al. 2019. PubMed ID: 30806372 and Gangodkar et al. 2020. PubMed ID: 32948948). Although we suspect that the c.724C>G (p.Leu242Val) variant is pathogenic, at this time, the clinical significance of this variant is uncertain due to the absence of conclusive functional and genetic evidence.

Gemeinschaftspraxis fuer Humangenetik Dresden
Classification: Uncertain significance for 21-Hydroxylase-Deficient Congenital Adrenal Hyperplasia. Last evaluated: 2024-02-13. Review status: criteria provided, single submitter. Criteria: ACMG Guidelines, 2015. Collection method: clinical testing. Allele origin: germline. Inheritance: Autosomal recessive inheritance.
Comment: This gene alteration is not listed in HGMD® (Professional 2023.4). However, the alteration c.725T>C, p.(Leu242Pro) is already listed at the same amino acid position as pathogenic for the phenotype of “adrenal hyperplasia” (CM191848). Furthermore, the variant is classified by one author in ClinVar as a “variant of unclear significance”, is not listed in the LOVD and has an allele frequency of 0.0002% in gnomAD (European, non-Finnish). In summary, the variant should currently be classified as uncertain significance.

Institute of Human Genetics, Medical University Innsbruck
Classification: Uncertain significance for 21-Hydroxylase-Deficient Congenital Adrenal Hyperplasia. Last evaluated: 2019-05-24. Review status: no assertion criteria provided. Collection method: clinical testing. Allele origin: unknown. Not counted in ClinVar's aggregate classification.

NM_000500.9(CYP21A2):c.724C>G (p.Leu242Val)

Genes: CYP21A2 (cytochrome P450 family 21 subfamily A member 2; plus strand), LOC106780800 (CYP21A2 recombination region; plus strand). Cytogenetic location: 6p21.33.
Variant type: single nucleotide variant.
Coding change: c.724C>G on transcript NM_000500.9 (MANE Select); coding-DNA position 724, C replaced by G.
Protein change: p.Leu242Val; replaces leucine 242 with valine.
Molecular consequence: missense variant.
Genome position (GRCh38, 1-based): chr6:32,039,821, C>G. VCF-style: chr6-32039821-C-G. GRCh37 (hg19) VCF-style: chr6-32007598-C-G.
Other names: c.634C>G, p.Leu212Val (NM_001128590.4); c.319C>G, p.Leu107Val (NM_001368143.2, NM_001368144.2); short protein forms L107V, L212V, L242V.
Identifiers: ClinVar variation 800629 (VCV000800629.5), dbSNP rs1582306855, ClinGen allele CA363505418.